The following is an entry in ClinVar:

NM_000199.5(SGSH):c.630G>A (p.Trp210Ter)

Gene: SGSH (N-sulfoglucosamine sulfohydrolase; minus strand). Cytogenetic location: 17q25.3.
Variant type: single nucleotide variant.
Coding change: c.630G>A on transcript NM_000199.5 (MANE Select); coding-DNA position 630, G replaced by A.
Protein change: p.Trp210Ter; replaces tryptophan 210 with a stop codon.
Molecular consequence: nonsense. On other transcripts: non-coding transcript variant (1).
Genome position (GRCh38, 1-based): chr17:80,214,205, C>T on the plus strand (G>A on the coding strand, the complement: SGSH is on the minus strand). VCF-style: chr17-80214205-C-T. GRCh37 (hg19) VCF-style: chr17-78188004-C-T.
Other names: c.630G>A, p.Trp210Ter (NM_001352921.3, NM_001352922.2); c.630G>A (NM_000199.4); short protein forms W210*.
Identifiers: ClinVar variation 1072646 (VCV001072646.10), dbSNP rs373031930, ClinGen allele CA8817932.
Genomic context (GRCh38, chr17:80,214,205, plus strand): 5'-CCTGAAACACAGGAGGGGCCGTCCTACCAGCACGTCCAGTGGGTCGTAGGCCTGGGGGGT[C>T]CAGTCTGGGATACGACCCATGCCGCTCTCTCCGTTGCCAAACTTCTCACAGAAGGTTCCG-3'

ClinVar aggregate classification (germline): Pathogenic/Likely pathogenic. Review status: criteria provided, multiple submitters, no conflicts (2 of 4 stars). 2 submissions from 2 submitters: Pathogenic (1); Likely pathogenic (1). Last evaluated 2025-01-06.

Conditions:
Mucopolysaccharidosis, MPS-III-A (MPS3A). Also called: MPS III A; Mucopolysaccharidosis type IIIA (Sanfilippo A); HEPARAN SULFATE SULFATASE DEFICIENCY; SANFILIPPO SYNDROME A; SULFAMIDASE DEFICIENCY; Mucopolysaccharidosis, type IIIA. Identifiers: Orphanet 581, Orphanet 79269, MedGen C0086647, MONDO:0009655, OMIM 252900.

Allele frequency attached by ClinVar (database versions not stated): gnomAD exomes below 0.00001; ExAC 0.00001; ESP Exome Variant Server 0.00008.

Submissions (2):

Natera, Inc.
Classification: Likely pathogenic for Mucopolysaccharidosis type IIIA. Last evaluated: 2025-01-06. Review status: criteria provided, single submitter. Criteria: Natera Variant Classification Schema (03/2026). Collection method: clinical testing. Allele origin: germline.
Comment: The c.630G>A variant in SGSH is a nonsense variant predicted to introduce a stop codon at amino acid 210. This variant is expected to result in nonsense mediated decay, truncation, or a dysfunctional protein product. This variant is rare in the general population with a frequency below the threshold expected for the associated phenotype(s). Given the available evidence, this variant is classified as Likely Pathogenic.

Labcorp Genetics (formerly Invitae), Labcorp
Classification: Pathogenic for Mucopolysaccharidosis, MPS-III-A. Last evaluated: 2021-02-09. Review status: criteria provided, single submitter. Criteria: Invitae Variant Classification Sherloc (09022015). Collection method: clinical testing. Allele origin: germline.
Comment: For these reasons, this variant has been classified as Pathogenic. Loss-of-function variants in SGSH are known to be pathogenic (PMID: 11182930, 21204211, 22976768). This nonsense change has been observed in individual(s) with Sanfilippo syndrome (PMID: 9285796). This variant is present in population databases (rs373031930, ExAC 0.002%). This sequence change creates a premature translational stop signal (p.Trp210*) in the SGSH gene. It is expected to result in an absent or disrupted protein product.

Literature cited by the submitters: PubMed 11182930 (cited by Labcorp Genetics (formerly Invitae), Labcorp); PubMed 21204211 (cited by Labcorp Genetics (formerly Invitae), Labcorp); PubMed 22976768 (cited by Labcorp Genetics (formerly Invitae), Labcorp); PubMed 9285796 (cited by Labcorp Genetics (formerly Invitae), Labcorp).